The following is an entry in ClinVar:

NM_002474.3(MYH11):c.5479G>A (p.Glu1827Lys)

Genes: NDE1 (nudE neurodevelopment protein 1; plus strand), MYH11 (myosin heavy chain 11; minus strand). Cytogenetic location: 16p13.11.
Variant type: single nucleotide variant.
Coding change: c.5479G>A on transcript NM_002474.3 (MANE Select); coding-DNA position 5479, G replaced by A.
Protein change: p.Glu1827Lys; replaces glutamic acid 1827 with lysine.
Molecular consequence: missense variant. On other transcripts: intron variant (2).
Genome position (GRCh38, 1-based): chr16:15,717,165, C>T on the plus strand (G>A on the coding strand, the complement: MYH11 is on the minus strand). VCF-style: chr16-15717165-C-T. GRCh37 (hg19) VCF-style: chr16-15811022-C-T.
Other names: c.5500G>A, p.Glu1834Lys (NM_001040113.2, NM_001040114.2); c.5479G>A, p.Glu1827Lys (NM_022844.3); c.948-7026C>T (NM_001143979.2, NM_017668.3); short protein forms E1834K, E1827K.
Identifiers: ClinVar variation 923505 (VCV000923505.7), dbSNP rs1895647620, ClinGen allele CA394848814.
Genomic context (GRCh38, chr16:15,717,165, plus strand): 5'-CTGCAAACTGGGTTCGGAACTCCACACCCGCATACCTGGCCTCCTGCTCGACCTGCTCCT[C>T]CAGCTGTGCAATCTTGGCCTCCAGCGCCGCGATGGTGGACTTGAACTTGGACTTGACGGC-3'
Protein context (NP_002465.1, residues 1817-1837): AALEAKIAQL[Glu1827Lys]EQVEQEAREK

ClinVar aggregate classification (germline): Uncertain significance. Review status: criteria provided, multiple submitters, no conflicts (2 of 4 stars). 3 submissions from 3 submitters: Uncertain significance (3). Last evaluated 2024-07-30.

Conditions:
Familial thoracic aortic aneurysm and aortic dissection (TAAD). Also called: Thoracic aortic aneurysms and dissections. Identifiers: Orphanet 91387, MedGen C4707243, MONDO:0019625.
Aortic aneurysm, familial thoracic 4 (AAT4). Also called: AORTIC ANEURYSM/AORTIC DISSECTION AND PATENT DUCTUS ARTERIOSUS. Identifiers: MedGen C1851504, MONDO:0007568, OMIM 132900.

Allele frequency attached by ClinVar (database versions not stated): gnomAD exomes below 0.00001; gnomAD 0.00001.
gnomAD v4.1: 3 of 1,614,088 alleles (0.00019%); highest among the groups gnomAD compares: Non-Finnish European, 0.00025%; no homozygotes.

Submissions (3):

Labcorp Genetics (formerly Invitae), Labcorp
Classification: Uncertain significance for Aortic aneurysm, familial thoracic 4. Last evaluated: 2024-07-30. Review status: criteria provided, single submitter. Criteria: Invitae Variant Classification Sherloc (09022015). Collection method: clinical testing. Allele origin: germline.
Comment: This sequence change replaces glutamic acid, which is acidic and polar, with lysine, which is basic and polar, at codon 1834 of the MYH11 protein (p.Glu1834Lys). This variant is not present in population databases (gnomAD no frequency). This variant has not been reported in the literature in individuals affected with MYH11-related conditions. ClinVar contains an entry for this variant (Variation ID: 923505). Advanced modeling of protein sequence and biophysical properties (such as structural, functional, and spatial information, amino acid conservation, physicochemical variation, residue mobility, and thermodynamic stability) performed at Invitae indicates that this missense variant is not expected to disrupt MYH11 protein function with a negative predictive value of 95%. In summary, the available evidence is currently insufficient to determine the role of this variant in disease. Therefore, it has been classified as a Variant of Uncertain Significance.

Color Diagnostics, LLC DBA Color Health
Classification: Uncertain significance for Familial thoracic aortic aneurysm and aortic dissection. Last evaluated: 2024-03-06. Review status: criteria provided, single submitter. Criteria: ACMG Guidelines, 2015. Collection method: clinical testing. Allele origin: germline.
Comment: This missense variant replaces glutamic acid with lysine at codon 1834 of the MYH11 protein. Computational prediction suggests that this variant may have deleterious impact on protein structure and function (internally defined REVEL score threshold >= 0.7, PMID: 27666373). Splice site prediction tools suggest that this variant may not impact RNA splicing. To our knowledge, functional studies have not been performed for this variant. This variant has not been reported in individuals affected with cardiovascular disorders in the literature. This variant has not been identified in the general population by the Genome Aggregation Database (gnomAD). The available evidence is insufficient to determine the role of this variant in disease conclusively. Therefore, this variant is classified as a Variant of Uncertain Significance.

All of Us Research Program, National Institutes of Health
Classification: Uncertain significance for Familial thoracic aortic aneurysm and aortic dissection. Last evaluated: 2023-12-01. Review status: criteria provided, single submitter. Criteria: ACMG Guidelines, 2015. Collection method: clinical testing. Allele origin: germline. Inheritance: Autosomal dominant inheritance. Observed: 1 variant allele, 1 heterozygote.
Comment: This missense variant replaces glutamic acid with lysine at codon 1834 of the MYH11 protein. Computational prediction suggests that this variant may have deleterious impact on protein structure and function (internally defined REVEL score threshold >= 0.7, PMID: 27666373). Splice site prediction tools suggest that this variant may not impact RNA splicing. To our knowledge, functional studies have not been performed for this variant. This variant has not been reported in individuals affected with cardiovascular disorders in the literature. This variant has not been identified in the general population by the Genome Aggregation Database (gnomAD). The available evidence is insufficient to determine the role of this variant in disease conclusively. Therefore, this variant is classified as a Variant of Uncertain Significance.

This study involves interpretation of variants in research participants for the purpose of population health screening. Participant phenotype was not available at the time of variant classification. Additional details can be found in publication PMID: 35346344, PMCID: PMC8962531